The following is an entry in ClinVar:

ClinVar aggregate classification (germline): Uncertain significance (1 of 4 stars; one submission).

Allele frequency attached by ClinVar (database versions not stated): ESP Exome Variant Server 0.00008; gnomAD exomes 0.00013 and 0.00016; TOPMed 0.00015; gnomAD 0.00018 and 0.00019; ExAC 0.00025.
gnomAD v4.1: 225 of 1,613,734 alleles (0.014%); highest among the groups gnomAD compares: Non-Finnish European, 0.016%; no homozygotes.

Submission:

Labcorp Genetics (formerly Invitae), Labcorp
Classification: Uncertain significance. Last evaluated: 2024-10-08. Review status: criteria provided, single submitter. Criteria: Invitae Variant Classification Sherloc (09022015). Collection method: clinical testing. Allele origin: germline.
Comment: This sequence change replaces arginine, which is basic and polar, with tryptophan, which is neutral and slightly polar, at codon 954 of the ACACA protein (p.Arg954Trp). This variant is present in population databases (rs200184474, gnomAD 0.03%). This variant has not been reported in the literature in individuals affected with ACACA-related conditions. ClinVar contains an entry for this variant (Variation ID: 1425740). An algorithm developed to predict the effect of missense changes on protein structure and function (PolyPhen-2) suggests that this variant is likely to be disruptive. Algorithms developed to predict the effect of sequence changes on RNA splicing suggest that this variant may disrupt the consensus splice site. In summary, the available evidence is currently insufficient to determine the role of this variant in disease. Therefore, it has been classified as a Variant of Uncertain Significance.

NM_198834.3(ACACA):c.2971C>T (p.Arg991Trp)

Gene: ACACA (acetyl-CoA carboxylase alpha; minus strand). Cytogenetic location: 17q12.
Variant type: single nucleotide variant.
Coding change: c.2971C>T on transcript NM_198834.3 (MANE Select); coding-DNA position 2971, C replaced by T.
Protein change: p.Arg991Trp; replaces arginine 991 with tryptophan.
Molecular consequence: missense variant.
Genome position (GRCh38, 1-based): chr17:37,242,014, G>A on the plus strand (C>T on the coding strand, the complement: ACACA is on the minus strand). VCF-style: chr17-37242014-G-A. GRCh37 (hg19) VCF-style: chr17-35598930-G-A.
Other names: c.2860C>T, p.Arg954Trp (NM_198836.3, NM_198839.3); c.2686C>T, p.Arg896Trp (NM_198837.2); c.2626C>T, p.Arg876Trp (NM_198838.2); short protein forms R876W, R991W, R896W, R954W.
Identifiers: ClinVar variation 1425740 (VCV001425740.6), dbSNP rs200184474, ClinGen allele CA8515457.